The following is an entry in ClinVar:

NM_000256.3(MYBPC3):c.821C>A (p.Thr274Lys)

Gene: MYBPC3 (myosin binding protein C3; minus strand). Cytogenetic location: 11p11.2.
Variant type: single nucleotide variant.
Coding change: c.821C>A on transcript NM_000256.3 (MANE Select); coding-DNA position 821, C replaced by A.
Protein change: p.Thr274Lys; replaces threonine 274 with lysine.
Molecular consequence: missense variant.
Genome position (GRCh38, 1-based): chr11:47,347,857, G>T on the plus strand (C>A on the coding strand, the complement: MYBPC3 is on the minus strand). VCF-style: chr11-47347857-G-T. GRCh37 (hg19) VCF-style: chr11-47369408-G-T.
Other names: short protein forms T274K.
Identifiers: ClinVar variation 923693 (VCV000923693.12), dbSNP rs748746951, ClinGen allele CA380333750.

ClinVar aggregate classification (germline): Conflicting classifications of pathogenicity. Review status: criteria provided, conflicting classifications (1 of 4 stars). 4 submissions from 4 submitters: Uncertain significance (3); Likely benign (1). Last evaluated 2025-06-18.

Conditions:
Cardiovascular phenotype. Identifiers: MedGen CN230736.
Cardiomyopathy (CMYO). Also called: Cardiomyopathies. Identifiers: Orphanet 167848, MedGen C0878544, MONDO:0004994, HP:0001638. Inheritance: Various modes of inheritance.
Hypertrophic cardiomyopathy. Also called: HYPERTROPHIC MYOCARDIOPATHY. Identifiers: Orphanet 217569, MedGen C0007194, MeSH D002312, MONDO:0005045, HP:0001639.

gnomAD v4.1: 2 of 1,565,482 alleles (0.00013%); highest among the groups gnomAD compares: Admixed American, 0.0019%; no homozygotes.

Submissions (4):

Color Diagnostics, LLC DBA Color Health
Classification: Likely benign for Cardiomyopathy. Last evaluated: 2025-06-18. Review status: criteria provided, single submitter. Criteria: ACMG Guidelines, 2015. Collection method: clinical testing. Allele origin: germline.

All of Us Research Program, National Institutes of Health
Classification: Uncertain significance for Hypertrophic cardiomyopathy. Last evaluated: 2023-05-30. Review status: criteria provided, single submitter. Criteria: ACMG Guidelines, 2015. Collection method: clinical testing. Allele origin: germline. Inheritance: Autosomal dominant inheritance. Observed: 1 variant allele, 1 heterozygote.
Comment: Variant of Uncertain Significance due to insufficient evidence: This missense variant replaces threonine with lysine at codon 274 of the MYBPC3 protein. Computational prediction tools and conservation analyses are inconclusive regarding the impact of this variant on the protein function. Computational splicing tools suggest that this variant may not impact RNA splicing. To our knowledge, functional assays have not been performed for this variant nor has this variant been reported in individuals affected with cardiovascular disorders in the literature. This variant is rare in the general population and has been identified in 0/277264 chromosomes by the Genome Aggregation Database (gnomAD). Available evidence is insufficient to determine the role of this variant in disease conclusively.

This study involves interpretation of variants in research participants for the purpose of population health screening. Participant phenotype was not available at the time of variant classification. Additional details can be found in publication PMID: 35346344, PMCID: PMC8962531

Labcorp Genetics (formerly Invitae), Labcorp
Classification: Uncertain significance for Hypertrophic cardiomyopathy. Last evaluated: 2022-08-20. Review status: criteria provided, single submitter. Criteria: Invitae Variant Classification Sherloc (09022015). Collection method: clinical testing. Allele origin: germline.
Comment: In summary, the available evidence is currently insufficient to determine the role of this variant in disease. Therefore, it has been classified as a Variant of Uncertain Significance. Algorithms developed to predict the effect of missense changes on protein structure and function (SIFT, PolyPhen-2, Align-GVGD) all suggest that this variant is likely to be disruptive. ClinVar contains an entry for this variant (Variation ID: 923693). This variant has not been reported in the literature in individuals affected with MYBPC3-related conditions. This variant is not present in population databases (gnomAD no frequency). This sequence change replaces threonine, which is neutral and polar, with lysine, which is basic and polar, at codon 274 of the MYBPC3 protein (p.Thr274Lys).

Ambry Genetics
Classification: Uncertain significance for Cardiovascular phenotype. Last evaluated: 2021-12-07. Review status: criteria provided, single submitter. Criteria: Ambry Variant Classification Scheme 2023. Collection method: clinical testing. Allele origin: germline.
Comment: The c.821C>A variant (also known as p.T274K), located in coding exon 7 of the MYBPC3 gene, results from a C to A substitution at nucleotide position 821. The amino acid change results in threonine to lysine at codon 274, an amino acid with similar properties. This amino acid position is well conserved in available vertebrate species. In addition, this alteration is predicted to be tolerated by in silico analysis. Since supporting evidence is limited at this time, the clinical significance of this alteration remains unclear.